The following is an entry in ClinVar:

NM_002230.4(JUP):c.2185T>A (p.Tyr729Asn)

Gene: JUP (junction plakoglobin; minus strand). Cytogenetic location: 17q21.2.
Variant type: single nucleotide variant.
Coding change: c.2185T>A on transcript NM_002230.4 (MANE Select); coding-DNA position 2185, T replaced by A.
Protein change: p.Tyr729Asn; replaces tyrosine 729 with asparagine.
Molecular consequence: missense variant.
Genome position (GRCh38, 1-based): chr17:41,755,797, A>T on the plus strand (T>A on the coding strand, the complement: JUP is on the minus strand). VCF-style: chr17-41755797-A-T. GRCh37 (hg19) VCF-style: chr17-39912049-A-T.
Other names: c.2185T>A, p.Tyr729Asn (NM_001352773.2, NM_001352774.2, NM_001352775.2 and 3 more transcripts); short protein forms Y729N.
Identifiers: ClinVar variation 1350989 (VCV001350989.8), dbSNP rs1555597428, ClinGen allele CA399490384.
Genomic context (GRCh38, chr17:41,755,797, plus strand): 5'-AGGCCGCCTAGGCCAGCATGTGGTCTGCAGTGGGGTACGGGGGCCTGAGGCCGTCGCTGT[A>T]GGTGTCGATGGGGTAGTCTCCATCCATGTCCATGTGCATCTCCAGCGGGTCAAGGGGCAC-3'
Protein context (NP_002221.1, residues 719-739): DMDGDYPIDT[Tyr729Asn]SDGLRPPYPT

ClinVar aggregate classification (germline): Uncertain significance (1 of 4 stars; one submission).

Conditions:
Naxos disease (NXD). Also called: KERATOSIS PALMOPLANTARIS WITH ARRHYTHMOGENIC CARDIOMYOPATHY; MAL DE NAXOS; CARDIOMYOPATHY, ARRHYTHMOGENIC RIGHT VENTRICULAR, WITH SKIN, HAIR, AND NAIL ABNORMALITIES; PALMOPLANTAR KERATODERMA WITH ARRHYTHMOGENIC RIGHT VENTRICULAR CARDIOMYOPATHY AND WOOLLY HAIR; WOOLLY HAIR, PALMOPLANTAR KERATODERMA, AND CARDIAC ABNORMALITIES. Identifiers: Orphanet 34217, MedGen C1832600, MONDO:0011017, OMIM 601214.
Arrhythmogenic right ventricular dysplasia 12. Also called: ARRHYTHMOGENIC RIGHT VENTRICULAR DYSPLASIA, FAMILIAL, 12. Identifiers: MedGen C1969081, MONDO:0012684, OMIM 611528.

Submission:

Labcorp Genetics (formerly Invitae), Labcorp
Classification: Uncertain significance for Arrhythmogenic right ventricular dysplasia 12; Naxos disease. Last evaluated: 2025-11-13. Review status: criteria provided, single submitter. Criteria: Invitae Variant Classification Sherloc (09022015). Collection method: clinical testing. Allele origin: germline.
Comment: This sequence change replaces tyrosine, which is neutral and polar, with asparagine, which is neutral and polar, at codon 729 of the JUP protein (p.Tyr729Asn). This variant is not present in population databases (gnomAD no frequency). This variant has not been reported in the literature in individuals affected with JUP-related conditions. ClinVar contains an entry for this variant (Variation ID: 1350989). An algorithm developed to predict the effect of missense changes on protein structure and function (PolyPhen-2) suggests that this variant is likely to be tolerated. In summary, the available evidence is currently insufficient to determine the role of this variant in disease. Therefore, it has been classified as a Variant of Uncertain Significance.